The following is an entry in ClinVar:

ClinVar aggregate classification (germline): Uncertain significance (1 of 4 stars; one submission).

Conditions:
Combined deficiency of sialidase AND beta galactosidase (GSL). Also called: CATHEPSIN A DEFICIENCY; GOLDBERG SYNDROME; Galactosialidosis; NEURAMINIDASE DEFICIENCY WITH BETA-GALACTOSIDASE DEFICIENCY; NEURAMINIDASE/BETA-GALACTOSIDASE EXPRESSION; PPCA DEFICIENCY. Identifiers: Orphanet 351, MedGen C0268233, MONDO:0009737, OMIM 256540.

Submission:

Labcorp Genetics (formerly Invitae), Labcorp
Classification: Uncertain significance for Combined deficiency of sialidase AND beta galactosidase. Last evaluated: 2023-12-06. Review status: criteria provided, single submitter. Criteria: Invitae Variant Classification Sherloc (09022015). Collection method: clinical testing. Allele origin: germline.
Comment: This sequence change replaces phenylalanine, which is neutral and non-polar, with leucine, which is neutral and non-polar, at codon 429 of the CTSA protein (p.Phe429Leu). This variant is not present in population databases (gnomAD no frequency). This variant has not been reported in the literature in individuals affected with CTSA-related conditions. ClinVar contains an entry for this variant (Variation ID: 1361438). An algorithm developed to predict the effect of missense changes on protein structure and function (PolyPhen-2) suggests that this variant is likely to be disruptive. In summary, the available evidence is currently insufficient to determine the role of this variant in disease. Therefore, it has been classified as a Variant of Uncertain Significance.

NM_000308.4(CTSA):c.1231T>C (p.Phe411Leu)

Gene: CTSA (cathepsin A; plus strand). Cytogenetic location: 20q13.12.
Variant type: single nucleotide variant.
Coding change: c.1231T>C on transcript NM_000308.4 (MANE Select); coding-DNA position 1231, T replaced by C.
Protein change: p.Phe411Leu; replaces phenylalanine 411 with leucine.
Molecular consequence: missense variant. On other transcripts: non-coding transcript variant (1).
Genome position (GRCh38, 1-based): chr20:45,897,783, T>C. VCF-style: chr20-45897783-T-C. GRCh37 (hg19) VCF-style: chr20-44526422-T-C.
Other names: c.1231T>C, p.Phe411Leu (NM_001127695.3); c.1180T>C, p.Phe394Leu (NM_001167594.3); short protein forms F411L, F394L.
Identifiers: ClinVar variation 1361438 (VCV001361438.4), dbSNP rs2145823811, ClinGen allele CA409254033.